The following is an entry in ClinVar:

NM_001395159.1(UNC79):c.1274A>T (p.Tyr425Phe)

Gene: UNC79 (unc-79 subunit of NALCN channel complex; plus strand). Cytogenetic location: 14q32.12.
Variant type: single nucleotide variant.
Coding change: c.1274A>T on transcript NM_001395159.1 (MANE Select); coding-DNA position 1274, A replaced by T.
Protein change: p.Tyr425Phe; replaces tyrosine 425 with phenylalanine.
Molecular consequence: missense variant.
Genome position (GRCh38, 1-based): chr14:93,538,140, A>T. VCF-style: chr14-93538140-A-T. GRCh37 (hg19) VCF-style: chr14-94004486-A-T.
Other names: c.1274A>T, p.Tyr425Phe (NM_001346218.2); c.743A>T, p.Tyr248Phe (NM_020818.5); short protein forms Y248F, Y425F.
Identifiers: ClinVar variation 5016997 (VCV005016997.1).

ClinVar aggregate classification (germline): Uncertain significance (1 of 4 stars; one submission).

gnomAD v4.1: 1 of 1,614,106 alleles (0.000062%); highest among the groups gnomAD compares: Non-Finnish European, 0.000085%; no homozygotes.

Submission:

GeneDx
Classification: Uncertain significance. Last evaluated: 2026-03-26. Review status: criteria provided, single submitter. Criteria: GeneDx Variant Classification Process June 2021. Collection method: clinical testing. Allele origin: germline.
Comment: Not observed at significant frequency in large population cohorts (gnomAD); In silico analysis suggests that this missense variant does not alter protein structure/function; Has not been previously published as pathogenic or benign to our knowledge